The following is an entry in ClinVar:

ClinVar aggregate classification (germline): Uncertain significance. Review status: criteria provided, multiple submitters, no conflicts (2 of 4 stars). 5 submissions from 5 submitters: Uncertain significance (5). Last evaluated 2024-09-01.

Conditions:
Wolman disease (WOLD). Also called: LYSOSOMAL ACID LIPASE DEFICIENCY, COMPLETE; LIPA DEFICIENCY, COMPLETE; LAL DEFICIENCY, COMPLETE; CHOLESTEROL ESTER HYDROLASE DEFICIENCY, COMPLETE; LYSOSOMAL ACID LIPASE DEFICIENCY, ACUTE INFANTILE; Infantile-Onset LAL-D (Wolman Disease). Identifiers: Orphanet 75233, MedGen C0043208, MONDO:0019148, OMIM 620151.
Lysosomal acid lipase deficiency. Also called: Acid cholesteryl ester hydrolase deficiency, type 2. Identifiers: Orphanet 275761, MedGen C5574740, MONDO:0800449, MONDO:0010204.

Allele frequency attached by ClinVar (database versions not stated): gnomAD 0.00001; gnomAD exomes 0.00003 and 0.00004; ExAC 0.00005; TOPMed 0.00006; ESP Exome Variant Server 0.00015.
gnomAD v4.1: 65 of 1,599,994 alleles (0.0041%); highest among the groups gnomAD compares: Middle Eastern, 0.033%; no homozygotes.

Submissions (5):

CeGaT Center for Human Genetics Tuebingen
Classification: Uncertain significance. Last evaluated: 2024-09-01. Review status: criteria provided, single submitter. Criteria: CeGaT Center For Human Genetics Tuebingen Variant Classification Criteria Version 2. Collection method: clinical testing. Allele origin: germline. Affected: yes. Observed: 1 variant allele.
Comment: LIPA: PM2, BP4

New York Genome Center
Classification: Uncertain significance for Cholesteryl ester storage disease. Last evaluated: 2022-12-06. Review status: criteria provided, single submitter. Criteria: NYGC Assertion Criteria 2020. Collection method: clinical testing. Allele origin: germline. Observed: 1 heterozygote.

Labcorp Genetics (formerly Invitae), Labcorp
Classification: Uncertain significance for Wolman disease. Last evaluated: 2022-08-23. Review status: criteria provided, single submitter. Criteria: Invitae Variant Classification Sherloc (09022015). Collection method: clinical testing. Allele origin: germline.
Comment: This sequence change replaces lysine, which is basic and polar, with asparagine, which is neutral and polar, at codon 2 of the LIPA protein (p.Lys2Asn). This variant is present in population databases (rs138408240, gnomAD 0.02%). This variant has not been reported in the literature in individuals affected with LIPA-related conditions. ClinVar contains an entry for this variant (Variation ID: 595978). Algorithms developed to predict the effect of missense changes on protein structure and function are either unavailable or do not agree on the potential impact of this missense change (SIFT: "Tolerated"; PolyPhen-2: "Possibly Damaging"; Align-GVGD: "Class C0"). In summary, the available evidence is currently insufficient to determine the role of this variant in disease. Therefore, it has been classified as a Variant of Uncertain Significance.

Eurofins Ntd Llc (ga)
Classification: Uncertain significance. Last evaluated: 2018-02-03. Review status: criteria provided, single submitter. Criteria: EGL Classification Definitions 2015. Collection method: clinical testing. Allele origin: germline. Observed: 1 variant allele, 1 heterozygote.

Illumina Laboratory Services, Illumina
Classification: Uncertain significance for Cholesteryl ester storage disease. Last evaluated: 2017-04-27. Review status: criteria provided, single submitter. Criteria: ICSL Variant Classification Criteria 13 December 2019. Collection method: clinical testing. Allele origin: germline.

NM_000235.4(LIPA):c.6A>T (p.Lys2Asn)

Gene: LIPA (lipase A, lysosomal acid type; minus strand). Cytogenetic location: 10q23.31.
Variant type: single nucleotide variant.
Coding change: c.6A>T on transcript NM_000235.4 (MANE Select); coding-DNA position 6, A replaced by T.
Protein change: p.Lys2Asn; replaces lysine 2 with asparagine.
Molecular consequence: missense variant. On other transcripts: intron variant (1).
Genome position (GRCh38, 1-based): chr10:89,247,643, T>A on the plus strand (A>T on the coding strand, the complement: LIPA is on the minus strand). VCF-style: chr10-89247643-T-A. GRCh37 (hg19) VCF-style: chr10-91007400-T-A.
Other names: c.6A>T, p.Lys2Asn (NM_001127605.3); c.-120+4094A>T (NM_001288979.2); short protein forms K2N.
Identifiers: ClinVar variation 595978 (VCV000595978.26), dbSNP rs138408240, ClinGen allele CA5593843.
Genomic context (GRCh38, chr10:89,247,643, plus strand): 5'-AGACCCCTCAGAATGCAGGGTCCAGAGAACCAAACAGACCACCAACCCCAAGAACCGCAT[T>A]TTCATTCTGTATAATAAAACAGTCTATTATTATTTGCTTGAATTTTACTACACAAAAATA-3'
Protein context (NP_000226.2, residues 1-12): M[Lys2Asn]MRFLGLVVCL